The following is an entry in ClinVar:

ClinVar aggregate classification (germline): Uncertain significance (1 of 4 stars; one submission).

Conditions:
Hereditary cancer-predisposing syndrome. Also called: Neoplastic Syndromes, Hereditary; Tumor predisposition; Hereditary Cancer Syndrome; Hereditary neoplastic syndrome. Identifiers: Orphanet 140162, MedGen C0027672, MeSH D009386, MONDO:0015356.

Submission:

Ambry Genetics
Classification: Uncertain significance for Hereditary cancer-predisposing syndrome. Last evaluated: 2023-07-24. Review status: criteria provided, single submitter. Criteria: Ambry Variant Classification Scheme 2023. Collection method: clinical testing. Allele origin: germline.
Comment: The c.4077T>A variant (also known as p.L1359L), located in coding exon 21 of the DICER1 gene, results from a T to A substitution at nucleotide position 4077. This nucleotide substitution does not change the leucine at codon 1359. This nucleotide position is well conserved in available vertebrate species. In silico splice site analysis predicts that this alteration may weaken the native splice acceptor site and will result in the creation or strengthening of a novel splice acceptor site. Since supporting evidence is limited at this time, the clinical significance of this alteration remains unclear.

NM_177438.3(DICER1):c.4077T>A (p.Leu1359=)

Gene: DICER1 (dicer 1, ribonuclease III; minus strand). Cytogenetic location: 14q32.13.
Variant type: single nucleotide variant.
Coding change: c.4077T>A on transcript NM_177438.3 (MANE Select); coding-DNA position 4077, T replaced by A.
Protein change: p.Leu1359=; no amino-acid change (leucine 1359 retained).
Molecular consequence: synonymous variant. On other transcripts: non-coding transcript variant (6).
Genome position (GRCh38, 1-based): chr14:95,099,909, A>T on the plus strand (T>A on the coding strand, the complement: DICER1 is on the minus strand). VCF-style: chr14-95099909-A-T. GRCh37 (hg19) VCF-style: chr14-95566246-A-T.
Other names: c.4077T>A, p.Leu1359= (NM_001195573.1, NM_001271282.3, NM_001291628.2 and 13 more transcripts); c.3795T>A, p.Leu1265= (NM_001395686.1); c.3672T>A, p.Leu1224= (NM_001395687.1, NM_001395688.1, NM_001395689.1 and 2 more transcripts); c.3510T>A, p.Leu1170= (NM_001395691.1); c.2394T>A, p.Leu798= (NM_001395697.1).
Identifiers: ClinVar variation 1737592 (VCV001737592.4), dbSNP rs1254082574, ClinGen allele CA487625810.